The following is an entry in ClinVar:

ClinVar aggregate classification (germline): Uncertain significance (1 of 4 stars; one submission).

Allele frequency attached by ClinVar (database versions not stated): gnomAD 0.00001; TOPMed 0.00002.
gnomAD v4.1: 65 of 1,485,944 alleles (0.0044%); highest among the groups gnomAD compares: Non-Finnish European, 0.0054%; no homozygotes.

Submission:

Labcorp Genetics (formerly Invitae), Labcorp
Classification: Uncertain significance. Last evaluated: 2024-04-10. Review status: criteria provided, single submitter. Criteria: Invitae Variant Classification Sherloc (09022015). Collection method: clinical testing. Allele origin: germline.
Comment: This sequence change falls in intron 41 of the CACNA1B gene. It does not directly change the encoded amino acid sequence of the CACNA1B protein. It affects a nucleotide within the consensus splice site. This variant is present in population databases (rs200019246, gnomAD 0.006%). This variant has not been reported in the literature in individuals affected with CACNA1B-related conditions. ClinVar contains an entry for this variant (Variation ID: 2196518). Variants that disrupt the consensus splice site are a relatively common cause of aberrant splicing (PMID: 17576681, 9536098). Algorithms developed to predict the effect of sequence changes on RNA splicing suggest that this variant is not likely to affect RNA splicing. In summary, the available evidence is currently insufficient to determine the role of this variant in disease. Therefore, it has been classified as a Variant of Uncertain Significance.

Literature cited by the submitters: PubMed 17576681; PubMed 9536098.

NM_000718.4(CACNA1B):c.5649+5C>T

Gene: CACNA1B (calcium voltage-gated channel subunit alpha1 B; plus strand). Cytogenetic location: 9q34.3.
Variant type: single nucleotide variant.
Coding change: c.5649+5C>T on transcript NM_000718.4 (MANE Select); 5 bases into the intron after coding-DNA position 5649, C replaced by T.
Molecular consequence: intron variant.
Genome position (GRCh38, 1-based): chr9:138,114,495, C>T. VCF-style: chr9-138114495-C-T. GRCh37 (hg19) VCF-style: chr9-141008947-C-T.
Other names: c.5649+5C>T (NM_001243812.2).
Identifiers: ClinVar variation 2196518 (VCV002196518.4), dbSNP rs200019246, ClinGen allele CA201871149.